The following is an entry in ClinVar:

NM_001384474.1(LOXHD1):c.6034G>A (p.Glu2012Lys)

Gene: LOXHD1 (lipoxygenase homology PLAT domains 1; minus strand). Cytogenetic location: 18q21.1.
Variant type: single nucleotide variant.
Coding change: c.6034G>A on transcript NM_001384474.1 (MANE Select); coding-DNA position 6034, G replaced by A.
Protein change: p.Glu2012Lys; replaces glutamic acid 2012 with lysine.
Molecular consequence: missense variant.
Genome position (GRCh38, 1-based): chr18:46,488,987, C>T on the plus strand (G>A on the coding strand, the complement: LOXHD1 is on the minus strand). VCF-style: chr18-46488987-C-T. GRCh37 (hg19) VCF-style: chr18-44068950-C-T.
Other names: c.2701G>A, p.Glu901Lys (NM_001145472.3); c.751G>A, p.Glu251Lys (NM_001145473.3, NM_001173129.2); c.2413G>A, p.Glu805Lys (NM_001308013.2); c.5848G>A, p.Glu1950Lys (NM_144612.7); short protein forms E1950K, E805K, E251K, E901K, E2012K.
Identifiers: ClinVar variation 178393 (VCV000178393.23), dbSNP rs79045813, ClinGen allele CA182243.

ClinVar aggregate classification (germline): Conflicting classifications of pathogenicity. Review status: criteria provided, conflicting classifications (1 of 4 stars). 6 submissions from 6 submitters: Uncertain significance (1); Benign (2); Likely benign (2). 1 of the submissions does not count toward it. Last evaluated 2026-01-28.

Conditions:
Autosomal recessive nonsyndromic hearing loss 77. Identifiers: Orphanet 90636, MedGen C2746083, MONDO:0013119, OMIM 613079.

Allele frequency attached by ClinVar (database versions not stated): ESP Exome Variant Server 0.00285; 1000 Genomes Project 0.00319; gnomAD 0.00339 and 0.00367; 1000 Genomes Project 30x 0.00359; TOPMed 0.00391; gnomAD exomes 0.00028 and 0.00070; ExAC 0.00107.
gnomAD v4.1: 918 of 1,551,684 alleles (0.059%); highest among the groups gnomAD compares: African/African-American, 1.2%; 5 homozygotes.

Submissions (6):

Labcorp Genetics (formerly Invitae), Labcorp
Classification: Benign. Last evaluated: 2026-01-28. Review status: criteria provided, single submitter. Criteria: Invitae Variant Classification Sherloc (09022015). Collection method: clinical testing. Allele origin: germline.

Blueprint Genetics
Classification: Likely benign. Last evaluated: 2024-09-13. Review status: criteria provided, single submitter. Criteria: ACMG Guidelines, 2015. Collection method: clinical testing. Allele origin: germline.

Athena Diagnostics
Classification: Likely benign. Last evaluated: 2018-11-26. Review status: criteria provided, single submitter. Criteria: Athena Diagnostics Criteria. Collection method: clinical testing. Allele origin: germline.

Illumina Laboratory Services, Illumina
Classification: Uncertain significance for Autosomal recessive nonsyndromic hearing loss 77. Last evaluated: 2018-01-12. Review status: criteria provided, single submitter. Criteria: ICSL Variant Classification Criteria 13 December 2019. Collection method: clinical testing. Allele origin: germline.

Laboratory for Molecular Medicine, Mass General Brigham Personalized Medicine
Classification: Benign. Last evaluated: 2017-10-05. Review status: criteria provided, single submitter. Criteria: LMM Criteria. Collection method: clinical testing. Allele origin: germline. Observed: 4 variant alleles.
Comment: p.Glu1950Lys in exon 37 of LOXHD1: This variant is not expected to have clinical significance because it has been identified in 1.2% (204/16356) of African chro mosomes by the Genome Aggregation Database (gnomAD .org; dbSNP rs79045813). ACMG/AMP Criteria applied: BS1, BP4 (Richards 2015)

Natera, Inc.
Classification: Likely benign for Autosomal recessive deafness type 77. Last evaluated: 2019-12-10. Review status: no assertion criteria provided. Collection method: clinical testing. Allele origin: germline. Not counted in ClinVar's aggregate classification.